The following is an entry in ClinVar:

NM_001384474.1(LOXHD1):c.6229A>T (p.Ile2077Phe)

Gene: LOXHD1 (lipoxygenase homology PLAT domains 1; minus strand). Cytogenetic location: 18q21.1.
Variant type: single nucleotide variant.
Coding change: c.6229A>T on transcript NM_001384474.1 (MANE Select); coding-DNA position 6229, A replaced by T.
Protein change: p.Ile2077Phe; replaces isoleucine 2077 with phenylalanine.
Molecular consequence: missense variant.
Genome position (GRCh38, 1-based): chr18:46,483,699, T>A on the plus strand (A>T on the coding strand, the complement: LOXHD1 is on the minus strand). VCF-style: chr18-46483699-T-A. GRCh37 (hg19) VCF-style: chr18-44063662-T-A.
Other names: c.2896A>T, p.Ile966Phe (NM_001145472.3); c.946A>T, p.Ile316Phe (NM_001145473.3, NM_001173129.2); c.2608A>T, p.Ile870Phe (NM_001308013.2); c.6043A>T, p.Ile2015Phe (NM_144612.7); short protein forms I2015F, I966F, I316F, I870F, I2077F.
Identifiers: ClinVar variation 228835 (VCV000228835.14), dbSNP rs563899816, ClinGen allele CA10577066.

ClinVar aggregate classification (germline): Uncertain significance. Review status: criteria provided, multiple submitters, no conflicts (2 of 4 stars). 6 submissions from 6 submitters: Uncertain significance (5). 1 of the submissions does not count toward it. Last evaluated 2024-12-14.

Conditions:
Inborn genetic diseases. Identifiers: MedGen C0950123, MeSH D030342.
Autosomal recessive nonsyndromic hearing loss 77. Identifiers: Orphanet 90636, MedGen C2746083, MONDO:0013119, OMIM 613079.

Allele frequency attached by ClinVar (database versions not stated): TOPMed 0.00003; gnomAD 0.00004.
gnomAD v4.1: 95 of 1,551,574 alleles (0.0061%); highest among the groups gnomAD compares: Non-Finnish European, 0.0078%; no homozygotes.

Submissions (6):

Labcorp Genetics (formerly Invitae), Labcorp
Classification: Uncertain significance. Last evaluated: 2024-12-14. Review status: criteria provided, single submitter. Criteria: Invitae Variant Classification Sherloc (09022015). Collection method: clinical testing. Allele origin: germline.
Comment: This sequence change replaces isoleucine, which is neutral and non-polar, with phenylalanine, which is neutral and non-polar, at codon 2015 of the LOXHD1 protein (p.Ile2015Phe). This variant is present in population databases (rs563899816, gnomAD 0.008%). This missense change has been observed in individual(s) with deafness (internal data). ClinVar contains an entry for this variant (Variation ID: 228835). An algorithm developed to predict the effect of missense changes on protein structure and function (PolyPhen-2) suggests that this variant is likely to be disruptive. In summary, the available evidence is currently insufficient to determine the role of this variant in disease. Therefore, it has been classified as a Variant of Uncertain Significance.

Ambry Genetics
Classification: Uncertain significance for Inborn genetic diseases. Last evaluated: 2024-11-09. Review status: criteria provided, single submitter. Criteria: Ambry Variant Classification Scheme 2023. Collection method: clinical testing. Allele origin: germline.

Blueprint Genetics
Classification: Uncertain significance. Last evaluated: 2024-05-03. Review status: criteria provided, single submitter. Criteria: ACMG Guidelines, 2015. Collection method: clinical testing. Allele origin: germline.

Illumina Laboratory Services, Illumina
Classification: Uncertain significance for Autosomal recessive nonsyndromic hearing loss 77. Last evaluated: 2018-01-13. Review status: criteria provided, single submitter. Criteria: ICSL Variant Classification Criteria 13 December 2019. Collection method: clinical testing. Allele origin: germline.

Laboratory for Molecular Medicine, Mass General Brigham Personalized Medicine
Classification: Uncertain significance. Last evaluated: 2016-01-15. Review status: criteria provided, single submitter. Criteria: LMM Criteria. Collection method: clinical testing. Allele origin: germline. Observed: 2 variant alleles.
Comment: This variant has not been identified in large population studies. Com putational prediction tools and conservation analysis do not provide strong supp ort for or against an impact to the protein. In summary, the clinical significan ce of the p.Ile2015Phe variant is uncertain.

Natera, Inc.
Classification: Uncertain significance for Autosomal recessive deafness type 77. Last evaluated: 2019-10-28. Review status: no assertion criteria provided. Collection method: clinical testing. Allele origin: germline. Not counted in ClinVar's aggregate classification.